The following is an entry in ClinVar:

NM_001922.5(DCT):c.399G>C (p.Leu133Phe)

Gene: DCT (dopachrome tautomerase; minus strand). Cytogenetic location: 13q32.1.
Variant type: single nucleotide variant.
Coding change: c.399G>C on transcript NM_001922.5 (MANE Select); coding-DNA position 399, G replaced by C.
Protein change: p.Leu133Phe; replaces leucine 133 with phenylalanine.
Molecular consequence: missense variant. On other transcripts: intron variant (2), 5 prime UTR variant (2).
Genome position (GRCh38, 1-based): chr13:94,468,942, C>G on the plus strand (G>C on the coding strand, the complement: DCT is on the minus strand). VCF-style: chr13-94468942-C-G. GRCh37 (hg19) VCF-style: chr13-95121196-C-G.
Other names: c.210G>C, p.Leu70Phe (NM_001322186.2); c.-338-2284G>C (NM_001322182.2, NM_001322183.2); c.399G>C, p.Leu133Phe (NM_001129889.3); c.-535G>C (NM_001322184.2, NM_001322185.2); short protein forms L133F, L70F.
Identifiers: ClinVar variation 4278691 (VCV004278691.1).
Genomic context (GRCh38, chr13:94,468,942, plus strand): 5'-GTGTACTCTCTTCTTCGCGAGATCTAAGGCGCCCAAGAACTGCTCTCTTTCCTGAGGACT[C>G]AAGGAATGGATGTTCTGCCGAATCACTGGTGGTTTCTTCCGCTCGCAGTTGGGACCGGTC-3'
Protein context (NP_001913.2, residues 123-143): PPVIRQNIHS[Leu133Phe]SPQEREQFLG

ClinVar aggregate classification (germline): Uncertain significance (1 of 4 stars; one submission).

gnomAD v4.1: 1 of 1,614,082 alleles (0.000062%); highest among the groups gnomAD compares: African/African-American, 0.0013%; no homozygotes.

Submission:

GeneDx
Classification: Uncertain significance. Last evaluated: 2025-03-25. Review status: criteria provided, single submitter. Criteria: GeneDx Variant Classification Process June 2021. Collection method: clinical testing. Allele origin: germline. Affected: yes.
Comment: Not observed at significant frequency in large population cohorts (gnomAD); In silico analysis supports that this missense variant has a deleterious effect on protein structure/function; Has not been previously published as pathogenic or benign to our knowledge